The following is an entry in ClinVar:

ClinVar aggregate classification (germline): Benign (1 of 4 stars; one submission).

Submission:

Laboratory for Molecular Medicine, Mass General Brigham Personalized Medicine
Classification: Benign. Last evaluated: 2016-03-28. Review status: criteria provided, single submitter. Criteria: LMM Criteria. Collection method: clinical testing. Allele origin: germline.
Comment: Variant identified in a genome or exome case(s) and assessed due to predicted null impact of the variant or pathogenic assertions in the literature or databases. Disclaimer: This variant has not undergone full assessment. The following are preliminary notes: ExAC frequency

NM_001395426.1(PDE4DIP):c.927del (p.Glu309fs)

Gene: PDE4DIP (phosphodiesterase 4D interacting protein; plus strand). Cytogenetic location: 1q21.2.
Variant type: Deletion.
Coding change: c.927del on transcript NM_001395426.1 (MANE Select); coding-DNA position 927, one base deleted (A; older notation c.927delA).
Protein change: p.Glu309fs; shifts the reading frame from glutamic acid 309.
Molecular consequence: frameshift variant.
Genome position (GRCh38, 1-based): chr1:148,960,746, A deleted; the last of 2 consecutive A bases (chr1:148,960,745-148,960,746); deleting either gives the same sequence. VCF-style (leftmost placement, unchanged base first): chr1-148960744-GA-G. GRCh37 (hg19) VCF-style: chr1-144923728-GT-G.
Other names: c.927delA (NM_001198832.2); c.1218del, p.Glu406fs (NM_001002811.3, NM_001350520.2, NM_001395297.1 and 4 more transcripts); c.729del, p.Glu243fs (NM_001002812.4, NM_001198834.5, NM_014644.7); c.927del, p.Glu309fs (NM_001198832.4, NM_001350522.3, NM_001350523.3 and 11 more transcripts); c.1140del, p.Glu380fs (NM_001350521.4, NM_001377392.2, NM_001395298.1 and 4 more transcripts); c.1029del, p.Glu343fs (NM_001395300.1, NM_001395302.1); c.816del, p.Glu272fs (NM_001395313.1, NM_001395321.1); c.879del, p.Glu293fs (NM_001395319.1); and 2 more; short protein forms E309fs, E380fs, E243fs, E406fs, E211fs, E272fs, E293fs, E30fs.
Identifiers: ClinVar variation 403294 (VCV000403294.5), dbSNP rs3215779, ClinGen allele CA1047804.